The following is an entry in ClinVar:

ClinVar aggregate classification (germline): Uncertain significance. Review status: criteria provided, multiple submitters, no conflicts (2 of 4 stars). 2 submissions from 2 submitters: Uncertain significance (2). Last evaluated 2025-06-04.

Conditions:
Renal cell carcinoma. Identifiers: Orphanet 217071, MedGen C0007134, MeSH D002292, MONDO:0005086, HP:0005584.
Hereditary cancer-predisposing syndrome. Also called: Tumor predisposition; Hereditary Cancer Syndrome; Hereditary neoplastic syndrome; Neoplastic Syndromes, Hereditary. Identifiers: Orphanet 140162, MedGen C0027672, MeSH D009386, MONDO:0015356.

Submissions (2):

Labcorp Genetics (formerly Invitae), Labcorp
Classification: Uncertain significance for Renal cell carcinoma. Last evaluated: 2025-06-04. Review status: criteria provided, single submitter. Criteria: Invitae Variant Classification Sherloc (09022015). Collection method: clinical testing. Allele origin: germline.
Comment: This sequence change creates a premature translational stop signal (p.Glu891*) in the MET gene. It is expected to result in an absent or disrupted protein product. However, the current clinical and genetic evidence is not sufficient to establish whether loss-of-function variants in MET cause disease. This variant is not present in population databases (gnomAD no frequency). This variant has not been reported in the literature in individuals affected with MET-related conditions. ClinVar contains an entry for this variant (Variation ID: 2587496). In summary, the available evidence is currently insufficient to determine the role of this variant in disease. Therefore, it has been classified as a Variant of Uncertain Significance.

Ambry Genetics
Classification: Uncertain significance for Hereditary cancer-predisposing syndrome. Last evaluated: 2023-09-03. Review status: criteria provided, single submitter. Criteria: Ambry Variant Classification Scheme 2023. Collection method: clinical testing. Allele origin: germline.
Comment: The c.2670dupT variant, located in coding exon 11 of the MET gene, results from a duplication of T at nucleotide position 2670, causing a translational frameshift with a predicted alternate stop codon (p.E891*). This alteration is expected to result in loss of function by premature protein truncation or nonsense-mediated mRNA decay. However, loss of function of MET has not been clearly established as a mechanism of disease. Since supporting evidence is limited at this time, the clinical significance of this alteration remains unclear.

NM_000245.4(MET):c.2616dup (p.Glu873Ter)

Gene: MET (MET proto-oncogene, receptor tyrosine kinase; plus strand). Cytogenetic location: 7q31.2.
Variant type: Duplication.
Coding change: c.2616dup on transcript NM_000245.4 (MANE Select); coding-DNA position 2616, one base duplicated (T; older notation c.2616dupT).
Protein change: p.Glu873Ter; replaces glutamic acid 873 with a stop codon.
Molecular consequence: nonsense. On other transcripts: frameshift variant (1).
Genome position (GRCh38, 1-based): chr7:116,769,677, T duplicated. VCF-style (leftmost placement, unchanged base first): chr7-116769676-G-GT. GRCh37 (hg19) VCF-style: chr7-116409730-G-GT.
Other names: c.2670dup, p.Glu891Ter (NM_001127500.3); c.2616dup, p.Glu873Ter (NM_001324401.3); c.1326dup, p.Glu443Ter (NM_001324402.2); c.2670dupT (NM_001127500.1); short protein forms E443*, E873*, E891*.
Identifiers: ClinVar variation 2587496 (VCV002587496.3), dbSNP rs2485766828, ClinGen allele CA2582341933.